The following is an entry in ClinVar:

ClinVar aggregate classification (germline): not provided. Review status: no classification provided (0 of 4 stars). 4 submissions from 1 submitter: not provided (4).

Conditions:
Normal pregnancy. Identifiers: MedGen C0232989.
Small for gestational age. Also called: Low birth weight. Identifiers: MedGen C0235991, HP:0001518.
Gestational diabetes mellitus uncontrolled. Identifiers: MedGen C3532257.
Preeclampsia. Identifiers: Orphanet 275555, MedGen C0032914, MONDO:0005081, HP:0100602.

Submissions (4):

Institute of Molecular and Cell Biology, University of Tartu
No classification provided. Condition: Normal pregnancy. Review status: no classification provided. Collection method: case-control. Allele origin: unknown. Affected: yes. Study: Kasak2014.
Comment: The study aimed to determine the contribution of copy number variants in the genetic etiology of normal and complicated pregnancies. The samples represented (i) maternal blood DNA drawn from healthy pregnant women during 1st or 2nd trimester and (ii) maternal and paternal blood DNA drawn at term pregnancy cases representing normal and complicated gestations (severe preeclampsia, PE; gestational diabetes, GD; small-for-gestational age newborn, SGA; large-for-gestational age newborn, LGA). We performed CNV calling based on genome-wide genotyping dataset (Illumina HumanOmniExpress-24-v1 BeadChip) by applying three algorithms, QuantiSNP, GADA (Genome Alteration Detection Algorithm) and CNstream in parallel. The acquired CNV calls were merged with HD-CNV (Hotspot Detector for Copy Number Variants) program and only the CNVs predicted by at least two programs, were considered in subsequent analysis.

Institute of Molecular and Cell Biology, University of Tartu
No classification provided. Condition: Small for gestational age. Review status: no classification provided. Collection method: case-control. Allele origin: unknown. Affected: yes. Study: Kasak2014.
Comment: the same text as in the submission from Institute of Molecular and Cell Biology, University of Tartu above.

Institute of Molecular and Cell Biology, University of Tartu
No classification provided. Condition: Preeclampsia. Review status: no classification provided. Collection method: case-control. Allele origin: unknown. Affected: yes. Study: Kasak2014.
Comment: the same text as in the submission from Institute of Molecular and Cell Biology, University of Tartu above.

Institute of Molecular and Cell Biology, University of Tartu
No classification provided. Condition: Gestational diabetes mellitus uncontrolled. Review status: no classification provided. Collection method: case-control. Allele origin: unknown. Affected: yes. Study: Kasak2014.
Comment: the same text as in the submission from Institute of Molecular and Cell Biology, University of Tartu above.

Literature cited by the submitters: PubMed 25666259.

Single allele

Variant type: Deletion.
Identifiers: ClinVar variation 156855 (VCV000156855.2).